The following is an entry in ClinVar:

ClinVar aggregate classification (germline): Uncertain significance (1 of 4 stars; one submission).

Allele frequency attached by ClinVar (database versions not stated): gnomAD exomes below 0.00001; ESP Exome Variant Server 0.00008.
gnomAD v4.1: 2 of 1,614,210 alleles (0.00012%); highest among the groups gnomAD compares: Non-Finnish European, 0.00017%; no homozygotes.

Submission:

Labcorp Genetics (formerly Invitae), Labcorp
Classification: Uncertain significance. Last evaluated: 2025-06-16. Review status: criteria provided, single submitter. Criteria: Invitae Variant Classification Sherloc (09022015). Collection method: clinical testing. Allele origin: germline.
Comment: This sequence change replaces tyrosine, which is neutral and polar, with cysteine, which is neutral and slightly polar, at codon 124 of the MAP3K7 protein (p.Tyr124Cys). This variant is not present in population databases (gnomAD no frequency). This variant has not been reported in the literature in individuals affected with MAP3K7-related conditions. ClinVar contains an entry for this variant (Variation ID: 1902825). An algorithm developed to predict the effect of missense changes on protein structure and function (PolyPhen-2) suggests that this variant is likely to be tolerated. In summary, the available evidence is currently insufficient to determine the role of this variant in disease. Therefore, it has been classified as a Variant of Uncertain Significance.

NM_145331.3(MAP3K7):c.371A>G (p.Tyr124Cys)

Gene: MAP3K7 (mitogen-activated protein kinase kinase kinase 7; minus strand). Cytogenetic location: 6q15.
Variant type: single nucleotide variant.
Coding change: c.371A>G on transcript NM_145331.3 (MANE Select); coding-DNA position 371, A replaced by G.
Protein change: p.Tyr124Cys; replaces tyrosine 124 with cysteine.
Molecular consequence: missense variant.
Genome position (GRCh38, 1-based): chr6:90,560,187, T>C on the plus strand (A>G on the coding strand, the complement: MAP3K7 is on the minus strand). VCF-style: chr6-90560187-T-C. GRCh37 (hg19) VCF-style: chr6-91269906-T-C.
Other names: c.371A>G, p.Tyr124Cys (NM_003188.4, NM_145332.3, NM_145333.3); short protein forms Y124C.
Identifiers: ClinVar variation 1902825 (VCV001902825.5), dbSNP rs372169648, ClinGen allele CA143009930.